The following is an entry in ClinVar:

NM_005247.4(FGF3):c.23T>C (p.Leu8Pro)

Genes: FGF3 (fibroblast growth factor 3; minus strand), LOC109115964 (FGF3 5' regulatory region; plus strand). Cytogenetic location: 11q13.3.
Variant type: single nucleotide variant.
Coding change: c.23T>C on transcript NM_005247.4 (MANE Select); coding-DNA position 23, T replaced by C.
Protein change: p.Leu8Pro; replaces leucine 8 with proline.
Molecular consequence: missense variant.
Genome position (GRCh38, 1-based): chr11:69,818,911, A>G on the plus strand (T>C on the coding strand, the complement: FGF3 is on the minus strand). VCF-style: chr11-69818911-A-G. GRCh37 (hg19) VCF-style: chr11-69633679-A-G.
Other names: short protein forms L8P.
Identifiers: ClinVar variation 2021874 (VCV002021874.2), dbSNP rs1463172702, ClinGen allele CA381664737.
Genomic context (GRCh38, chr11:69,818,911, plus strand): 5'-TCGCGCCGCAACCGCGCCCCAGGGCCCGCTGCGGGCCAGCCGGGCTCCAGCAGGCTGAGC[A>G]GTAGCAGCCAGATTAGGCCCATCGTGGCATCGCGCCCGCCCCGCGGCGGCGGCGGCTGCA-3'
Protein context (NP_005238.1, residues 1-18): MGLIWLL[Leu8Pro]LSLLEPGWPA

ClinVar aggregate classification (germline): Uncertain significance. Review status: criteria provided, multiple submitters, no conflicts (2 of 4 stars). 2 submissions from 2 submitters: Uncertain significance (2). Last evaluated 2022-07-19.

Allele frequency attached by ClinVar (database versions not stated): gnomAD 0.00001; gnomAD exomes 0.00001; TOPMed 0.00001.
gnomAD v4.1: 16 of 1,471,236 alleles (0.0011%); highest among the groups gnomAD compares: African/African-American, 0.0029%; no homozygotes.

Submissions (2):

Labcorp Genetics (formerly Invitae), Labcorp
Classification: Uncertain significance. Last evaluated: 2022-07-19. Review status: criteria provided, single submitter. Criteria: Invitae Variant Classification Sherloc (09022015). Collection method: clinical testing. Allele origin: germline.
Comment: This sequence change replaces leucine, which is neutral and non-polar, with proline, which is neutral and non-polar, at codon 8 of the FGF3 protein (p.Leu8Pro). This variant is not present in population databases (gnomAD no frequency). This variant has not been reported in the literature in individuals affected with FGF3-related conditions. Algorithms developed to predict the effect of missense changes on protein structure and function are either unavailable or do not agree on the potential impact of this missense change (SIFT: "Deleterious"; PolyPhen-2: "Not Available"; Align-GVGD: "Class C0"). In summary, the available evidence is currently insufficient to determine the role of this variant in disease. Therefore, it has been classified as a Variant of Uncertain Significance.

Blueprint Genetics
Classification: Uncertain significance. Last evaluated: 2021-03-31. Review status: criteria provided, single submitter. Criteria: ACMG Guidelines, 2015. Collection method: clinical testing. Allele origin: germline.